The following is an entry in ClinVar:

ClinVar aggregate classification (germline): Uncertain significance (1 of 4 stars; one submission).

Allele frequency attached by ClinVar (database versions not stated): gnomAD exomes below 0.00001; gnomAD 0.00001.
gnomAD v4.1: 2 of 1,613,910 alleles (0.00012%); highest among the groups gnomAD compares: African/African-American, 0.0013%; no homozygotes.

Submission:

Ambry Genetics
Classification: Uncertain significance. Last evaluated: 2022-02-22. Review status: criteria provided, single submitter. Criteria: Ambry Variant Classification Scheme 2023. Collection method: clinical testing. Allele origin: germline.
Comment: The p.P692L variant (also known as c.2075C>T), located in coding exon 18 of the RAD54L gene, results from a C to T substitution at nucleotide position 2075. The proline at codon 692 is replaced by leucine, an amino acid with similar properties. This amino acid position is conserved. In addition, the in silico prediction for this alteration is inconclusive. Since supporting evidence is limited at this time, the clinical significance of this alteration remains unclear.

NM_003579.4(RAD54L):c.2075C>T (p.Pro692Leu)

Genes: LRRC41 (leucine rich repeat containing 41; minus strand), RAD54L (RAD54 like; plus strand). Cytogenetic location: 1p34.1.
Variant type: single nucleotide variant.
Coding change: c.2075C>T on transcript NM_003579.4 (MANE Select); coding-DNA position 2075, C replaced by T.
Protein change: p.Pro692Leu; replaces proline 692 with leucine.
Molecular consequence: missense variant. On other transcripts: 3 prime UTR variant (1).
Genome position (GRCh38, 1-based): chr1:46,278,113, C>T. VCF-style: chr1-46278113-C-T. GRCh37 (hg19) VCF-style: chr1-46743785-C-T.
Other names: c.*752G>A (NM_006369.5); c.2075C>T, p.Pro692Leu (NM_001142548.2); c.1535C>T, p.Pro512Leu (NM_001370766.1); short protein forms P512L, P692L.
Identifiers: ClinVar variation 1785452 (VCV001785452.2), dbSNP rs1660675334, ClinGen allele CA340190985.